The following is an entry in ClinVar:

NM_198578.4(LRRK2):c.2723C>T (p.Ser908Phe)

Gene: LRRK2 (leucine rich repeat kinase 2; plus strand). Cytogenetic location: 12q12.
Variant type: single nucleotide variant.
Coding change: c.2723C>T on transcript NM_198578.4 (MANE Select); coding-DNA position 2723, C replaced by T.
Protein change: p.Ser908Phe; replaces serine 908 with phenylalanine.
Molecular consequence: missense variant.
Genome position (GRCh38, 1-based): chr12:40,293,578, C>T. VCF-style: chr12-40293578-C-T. GRCh37 (hg19) VCF-style: chr12-40687380-C-T.
Other names: short protein forms S908F.
Identifiers: ClinVar variation 1795216 (VCV001795216.2), dbSNP rs1477643098, ClinGen allele CA384410766.

ClinVar aggregate classification (germline): Uncertain significance (1 of 4 stars; one submission).

Conditions:
Inborn genetic diseases. Identifiers: MedGen C0950123, MeSH D030342.

Allele frequency attached by ClinVar (database versions not stated): gnomAD 0.00001.
gnomAD v4.1: 2 of 1,610,346 alleles (0.00012%); highest among the groups gnomAD compares: East Asian, 0.0022%; no homozygotes.

Submission:

Ambry Genetics
Classification: Uncertain significance for Inborn genetic diseases. Last evaluated: 2022-03-14. Review status: criteria provided, single submitter. Criteria: Ambry Variant Classification Scheme 2023. Collection method: clinical testing. Allele origin: germline.
Comment: The p.S908F variant (also known as c.2723C>T), located in coding exon 21 of the LRRK2 gene, results from a C to T substitution at nucleotide position 2723. The serine at codon 908 is replaced by phenylalanine, an amino acid with highly dissimilar properties. This amino acid position is conserved. In addition, this alteration is predicted to be deleterious by in silico analysis. Since supporting evidence is limited at this time, the clinical significance of this alteration remains unclear.